The following is an entry in ClinVar:

NM_001080517.3(SETD5):c.730G>T (p.Val244Leu)

Gene: SETD5 (SET domain containing 5; plus strand). Cytogenetic location: 3p25.3.
Variant type: single nucleotide variant.
Coding change: c.730G>T on transcript NM_001080517.3 (MANE Select); coding-DNA position 730, G replaced by T.
Protein change: p.Val244Leu; replaces valine 244 with leucine.
Molecular consequence: missense variant.
Genome position (GRCh38, 1-based): chr3:9,440,618, G>T. VCF-style: chr3-9440618-G-T. GRCh37 (hg19) VCF-style: chr3-9482302-G-T.
Other names: c.436G>T, p.Val146Leu (NM_001292043.2, NM_001349451.2); short protein forms V146L, V244L.
Identifiers: ClinVar variation 2630500 (VCV002630500.4), dbSNP rs759068108, ClinGen allele CA351687822.

ClinVar aggregate classification (germline): Uncertain significance. Review status: criteria provided, multiple submitters, no conflicts (2 of 4 stars). 2 submissions from 2 submitters: Uncertain significance (2). Last evaluated 2025-09-27.

Conditions:
SETD5-related disorder. Also called: SETD5-related disorders; SETD5-related condition.

Submissions (2):

Labcorp Genetics (formerly Invitae), Labcorp
Classification: Uncertain significance. Last evaluated: 2025-09-27. Review status: criteria provided, single submitter. Criteria: Invitae Variant Classification Sherloc (09022015). Collection method: clinical testing. Allele origin: germline.
Comment: This sequence change replaces valine, which is neutral and non-polar, with leucine, which is neutral and non-polar, at codon 244 of the SETD5 protein (p.Val244Leu). This variant is not present in population databases (gnomAD no frequency). This variant has not been reported in the literature in individuals affected with SETD5-related conditions. ClinVar contains an entry for this variant (Variation ID: 2630500). Invitae Evidence Modeling of protein sequence and biophysical properties (such as structural, functional, and spatial information, amino acid conservation, physicochemical variation, residue mobility, and thermodynamic stability) indicates that this missense variant is not expected to disrupt SETD5 protein function with a negative predictive value of 80%. In summary, the available evidence is currently insufficient to determine the role of this variant in disease. Therefore, it has been classified as a Variant of Uncertain Significance.

PreventionGenetics, part of Exact Sciences
Classification: Uncertain significance for SETD5-related condition. Last evaluated: 2023-02-23. Review status: criteria provided, single submitter. Criteria: ACMG Guidelines, 2015. Collection method: clinical testing. Allele origin: germline.
Comment: The SETD5 c.730G>T variant is predicted to result in the amino acid substitution p.Val244Leu. To our knowledge, this variant has not been reported in the literature or in a large population database, indicating this variant is rare. At this time, the clinical significance of this variant is uncertain due to the absence of conclusive functional and genetic evidence.